The following is an entry in ClinVar:

NM_001009944.3(PKD1):c.11305_11306dup (p.Cys3770fs)

Genes: PKD1 (polycystin 1, transient receptor potential channel interacting; minus strand), PKD1-AS1 (PKD1 antisense RNA 1; plus strand). Cytogenetic location: 16p13.3.
Variant type: Microsatellite.
Coding change: c.11305_11306dup on transcript NM_001009944.3 (MANE Select); coding-DNA positions 11305 to 11306, 2 bases duplicated (AC; older notation c.11305_11306dupAC).
Protein change: p.Cys3770fs; shifts the reading frame from cysteine 3770.
Molecular consequence: frameshift variant.
Genome position (GRCh38, 1-based): chr16:2,092,152-2,092,153, GT duplicated on the plus strand (AC on the coding strand, the reverse complement: PKD1 is on the minus strand); duplicating any 2 consecutive bases within chr16:2,092,152-2,092,156 gives the same sequence; the c. name uses the placement nearest the transcript's 3' end. VCF-style (leftmost placement, unchanged base first): chr16-2092151-C-CGT. GRCh37 (hg19) VCF-style: chr16-2142152-C-CGT.
Other names: c.11302_11303dup, p.Cys3769fs (NM_000296.4); short protein forms C3769fs, C3770fs.
Identifiers: ClinVar variation 4879604 (VCV004879604.1).

ClinVar aggregate classification (germline): Pathogenic (1 of 4 stars; one submission).

Conditions:
Polycystic kidney disease, adult type (PKD1). Also called: Polycystic Kidney Disease 1, Autosomal Dominant; Polycystic kidney disease 1; Polycystic kidney disease 1, severe; POLYCYSTIC KIDNEY DISEASE, ADULT, TYPE I; Polycystic Kidney, Autosomal Dominant; POLYCYSTIC KIDNEY DISEASE 1 WITH OR WITHOUT POLYCYSTIC LIVER DISEASE. Identifiers: MedGen C3149841, MONDO:0008263, OMIM 173900.

Submission:

Victorian Clinical Genetics Services, Murdoch Childrens Research Institute
Classification: Pathogenic for Polycystic kidney disease, adult type. Last evaluated: 2026-02-19. Review status: criteria provided, single submitter. Criteria: ACMG Guidelines, 2015. Collection method: clinical testing. Allele origin: germline. Affected: yes.
Comment: This variant is classified as Pathogenic. Evidence in support of pathogenic classification: Variant is predicted to cause nonsense-mediated decay (NMD) and loss of protein (premature termination codon is located at least 54 nucleotides upstream of the final exon-exon junction); Variant is absent from gnomAD (v2, v3 and v4); Other NMD-predicted variants comparable to the one identified in this case have very strong previous evidence for pathogenicity (DECIPHER). Additional information: This variant is heterozygous; This gene is associated with autosomal dominant disease. Polycystic kidney disease 1 (MIM#173900) is predominantly caused by monoallelic variants, with rare reports of biallelic variants causing disease (OMIM); This variant has no previous evidence of pathogenicity; No published evidence of segregation with disease has been identified for this variant; No published functional evidence has been identified for this variant; Loss of function is a known mechanism of disease in this gene and is associated with polycystic kidney disease 1 (MIM#173900); Inheritance information for this variant is not currently available in this individual.